The following is an entry in ClinVar:

ClinVar aggregate classification (germline): Uncertain significance (1 of 4 stars; one submission).

gnomAD v4.1: 11 of 1,614,010 alleles (0.00068%); highest among the groups gnomAD compares: Non-Finnish European, 0.00093%; no homozygotes.

Submission:

Labcorp Genetics (formerly Invitae), Labcorp
Classification: Uncertain significance. Last evaluated: 2024-09-19. Review status: criteria provided, single submitter. Criteria: Invitae Variant Classification Sherloc (09022015). Collection method: clinical testing. Allele origin: germline.
Comment: This sequence change replaces alanine, which is neutral and non-polar, with serine, which is neutral and polar, at codon 141 of the EDNRB protein (p.Ala141Ser). This variant is present in population databases (rs762880632, gnomAD 0.002%). This variant has not been reported in the literature in individuals affected with EDNRB-related conditions. Invitae Evidence Modeling of protein sequence and biophysical properties (such as structural, functional, and spatial information, amino acid conservation, physicochemical variation, residue mobility, and thermodynamic stability) indicates that this missense variant is not expected to disrupt EDNRB protein function with a negative predictive value of 80%. In summary, the available evidence is currently insufficient to determine the role of this variant in disease. Therefore, it has been classified as a Variant of Uncertain Significance.

NM_001122659.3(EDNRB):c.421G>T (p.Ala141Ser)

Gene: EDNRB (endothelin receptor type B; minus strand). Cytogenetic location: 13q22.3.
Variant type: single nucleotide variant.
Coding change: c.421G>T on transcript NM_001122659.3 (MANE Select); coding-DNA position 421, G replaced by T.
Protein change: p.Ala141Ser; replaces alanine 141 with serine.
Molecular consequence: missense variant.
Genome position (GRCh38, 1-based): chr13:77,918,153, C>A on the plus strand (G>T on the coding strand, the complement: EDNRB is on the minus strand). VCF-style: chr13-77918153-C-A. GRCh37 (hg19) VCF-style: chr13-78492288-C-A.
Other names: c.421G>T, p.Ala141Ser (NM_000115.5, NM_003991.4); c.691G>T, p.Ala231Ser (NM_001201397.2); short protein forms A231S, A141S.
Identifiers: ClinVar variation 3678526 (VCV003678526.2).
Genomic context (GRCh38, chr13:77,918,153, plus strand): 5'-TGTAGACATTGATAGGGATGTCAATGACGATGTGCAGCAGGTCTCCCAGAGCCAAGCTGG[C>A]GATCAAGATATTGGGACCGTTTCGCATGCACTTGTTCTTGTAGATAATTCTCAGAAGTGT-3'
Protein context (NP_001116131.1, residues 131-151): CMRNGPNILI[Ala141Ser]SLALGDLLHI